The following is an entry in ClinVar:

NM_000135.4(FANCA):c.871A>C (p.Thr291Pro)

Gene: FANCA (FA complementation group A; minus strand). Cytogenetic location: 16q24.3.
Variant type: single nucleotide variant.
Coding change: c.871A>C on transcript NM_000135.4 (MANE Select); coding-DNA position 871, A replaced by C.
Protein change: p.Thr291Pro; replaces threonine 291 with proline.
Molecular consequence: missense variant.
Genome position (GRCh38, 1-based): chr16:89,799,188, T>G on the plus strand (A>C on the coding strand, the complement: FANCA is on the minus strand). VCF-style: chr16-89799188-T-G. GRCh37 (hg19) VCF-style: chr16-89865596-T-G.
Other names: c.871A>C, p.Thr291Pro (NM_001018112.3, NM_001286167.3); c.775A>C, p.Thr259Pro (NM_001351830.2); short protein forms T259P, T291P.
Identifiers: ClinVar variation 4843034 (VCV004843034.1).

ClinVar aggregate classification (germline): Uncertain significance (1 of 4 stars; one submission).

Conditions:
Inborn genetic diseases. Identifiers: MedGen C0950123, MeSH D030342.

Submission:

Ambry Genetics
Classification: Uncertain significance for Inborn genetic diseases. Last evaluated: 2026-01-06. Review status: criteria provided, single submitter. Criteria: Ambry Variant Classification Scheme 2023. Collection method: clinical testing. Allele origin: germline.
Comment: The p.T291P variant (also known as c.871A>C), located in coding exon 10 of the FANCA gene, results from an A to C substitution at nucleotide position 871. The threonine at codon 291 is replaced by proline, an amino acid with highly similar properties. This amino acid position is conserved. In addition, this alteration is predicted to be tolerated by in silico analysis. Based on the available evidence, the clinical significance of this variant remains unclear.